The following is an entry in ClinVar:

ClinVar aggregate classification (germline): Uncertain significance (1 of 4 stars; one submission).

Submission:

GeneDx
Classification: Uncertain significance. Last evaluated: 2023-02-15. Review status: criteria provided, single submitter. Criteria: GeneDx Variant Classification Process June 2021. Collection method: clinical testing. Allele origin: germline. Affected: yes.
Comment: Not observed at significant frequency in large population cohorts (gnomAD); In silico analysis supports that this missense variant has a deleterious effect on protein structure/function; Has not been previously published as pathogenic or benign to our knowledge

NM_001170629.2(CHD8):c.6596A>G (p.Asp2199Gly)

Gene: CHD8 (chromodomain helicase DNA binding protein 8; minus strand). Cytogenetic location: 14q11.2.
Variant type: single nucleotide variant.
Coding change: c.6596A>G on transcript NM_001170629.2 (MANE Select); coding-DNA position 6596, A replaced by G.
Protein change: p.Asp2199Gly; replaces aspartic acid 2199 with glycine.
Molecular consequence: missense variant.
Genome position (GRCh38, 1-based): chr14:21,392,682, T>C on the plus strand (A>G on the coding strand, the complement: CHD8 is on the minus strand). VCF-style: chr14-21392682-T-C. GRCh37 (hg19) VCF-style: chr14-21860841-T-C.
Other names: c.5759A>G, p.Asp1920Gly (NM_020920.4); short protein forms D1920G, D2199G.
Identifiers: ClinVar variation 2576672 (VCV002576672.1), dbSNP rs2501849906, ClinGen allele CA388878558.